The following is an entry in ClinVar:

NM_001099403.2(PRDM8):c.1336C>T (p.Pro446Ser)

Gene: PRDM8 (PR/SET domain 8; plus strand). Cytogenetic location: 4q21.21.
Variant type: single nucleotide variant.
Coding change: c.1336C>T on transcript NM_001099403.2 (MANE Select); coding-DNA position 1336, C replaced by T.
Protein change: p.Pro446Ser; replaces proline 446 with serine.
Molecular consequence: missense variant.
Genome position (GRCh38, 1-based): chr4:80,202,798, C>T. VCF-style: chr4-80202798-C-T. GRCh37 (hg19) VCF-style: chr4-81123952-C-T.
Other names: c.1336C>T, p.Pro446Ser (NM_020226.4); short protein forms P446S.
Identifiers: ClinVar variation 939101 (VCV000939101.9), dbSNP rs1738630893, ClinGen allele CA357400222.

ClinVar aggregate classification (germline): Uncertain significance (1 of 4 stars; one submission).

Conditions:
Early-onset Lafora body disease. Also called: Epilepsy, progressive myoclonic, 10. Identifiers: Orphanet 324290, MedGen C4225258, MONDO:0014717, OMIM 616640.

Submission:

Labcorp Genetics (formerly Invitae), Labcorp
Classification: Uncertain significance for Early-onset Lafora body disease. Last evaluated: 2019-09-21. Review status: criteria provided, single submitter. Criteria: Invitae Variant Classification Sherloc (09022015). Collection method: clinical testing. Allele origin: germline.
Comment: This sequence change replaces proline with serine at codon 446 of the PRDM8 protein (p.Pro446Ser). The proline residue is weakly conserved and there is a moderate physicochemical difference between proline and serine. The frequency data for this variant in the population databases is considered unreliable, as metrics indicate insufficient coverage at this position in the ExAC database. This variant has not been reported in the literature in individuals with PRDM8-related conditions. Algorithms developed to predict the effect of missense changes on protein structure and function output the following: SIFT: "Tolerated"; PolyPhen-2: "Benign"; Align-GVGD: "Class C0". The serine amino acid residue is found in multiple mammalian species, suggesting that this missense change does not adversely affect protein function. These predictions have not been confirmed by published functional studies and their clinical significance is uncertain. In summary, the available evidence is currently insufficient to determine the role of this variant in disease. Therefore, it has been classified as a Variant of Uncertain Significance.